The following is an entry in ClinVar:

ClinVar aggregate classification (germline): Likely pathogenic (1 of 4 stars; one submission).

Conditions:
Renal cysts and diabetes syndrome (RCAD). Also called: Familial hypoplastic, glomerulocystic kidney; MATURITY-ONSET DIABETES OF THE YOUNG, TYPE 5. Identifiers: Orphanet 93111, MedGen C0431693, MONDO:0007669, OMIM 137920.

Submission:

Institute of Human Genetics, FAU Erlangen, Friedrich-Alexander-Universität Erlangen-Nürnberg
Classification: Likely pathogenic for Renal cysts and diabetes syndrome. Last evaluated: 2019-07-06. Review status: criteria provided, single submitter. Criteria: ACMG Guidelines, 2015. Collection method: literature only. Allele origin: germline. Affected: yes.
Comment: This variant and it's classification has been reported by Vasileiou et al. 2019; DOI:10.1101/576918. The variants has previously been reported in PMID:28420700 as "c.886G>T,p.Val296Phe" with clinical significance Likely pathogenic. It has been re-classified using InterVar and manual curation as Likely pathogenic based on PM1 PM2 PP3 PP5.

Literature cited by the submitters: PubMed 28420700; DOI 10.1101/576918.

NM_000458.4(HNF1B):c.886G>T (p.Val296Phe)

Gene: HNF1B (HNF1 homeobox B; minus strand). Cytogenetic location: 17q12.
Variant type: single nucleotide variant.
Coding change: c.886G>T on transcript NM_000458.4 (MANE Select); coding-DNA position 886, G replaced by T.
Protein change: p.Val296Phe; replaces valine 296 with phenylalanine.
Molecular consequence: missense variant.
Genome position (GRCh38, 1-based): chr17:37,731,754, C>A on the plus strand (G>T on the coding strand, the complement: HNF1B is on the minus strand). VCF-style: chr17-37731754-C-A. GRCh37 (hg19) VCF-style: chr17-36091745-C-A.
Other names: c.808G>T, p.Val270Phe (NM_001165923.4, NM_001304286.2); short protein forms V296F, V270F.
Identifiers: ClinVar variation 635629 (VCV000635629.1), dbSNP rs2511801683, ClinGen allele CA398746841.